The following is an entry in ClinVar:

NM_198334.3(GANAB):c.1437_1438insA (p.His480fs)

Gene: GANAB (glucosidase II alpha subunit; minus strand). Cytogenetic location: 11q12.3.
Variant type: Insertion.
Coding change: c.1437_1438insA on transcript NM_198334.3 (MANE Select); coding-DNA positions 1437 to 1438, A inserted.
Protein change: p.His480fs; shifts the reading frame from histidine 480.
Molecular consequence: frameshift variant.
Genome position: GRCh38 VCF-style: chr11-62630454-G-GT. GRCh37 (hg19) VCF-style: chr11-62397926-G-GT.
Other names: c.1161_1162insA, p.His388fs (NM_001278192.2); c.1095_1096insA, p.His366fs (NM_001278193.2); c.1146_1147insA, p.His383fs (NM_001278194.2, NM_001329222.2, NM_001329223.2); c.714_715insA, p.His239fs (NM_001329224.2, NM_001329225.2); c.1503_1504insA, p.His502fs (NM_198335.4); short protein forms H239fs, H366fs, H383fs, H388fs, H480fs, H502fs.
Identifiers: ClinVar variation 4850141 (VCV004850141.1).

ClinVar aggregate classification (germline): Likely pathogenic (1 of 4 stars; one submission).

Conditions:
Polycystic kidney disease 3 with or without polycystic liver disease. Also called: Polycystic kidney disease 3; Polycystic Kidney and/or Polycystic Liver Disease 3; POLYCYSTIC KIDNEY DISEASE, ADULT, TYPE III. Identifiers: MedGen C3887964, MONDO:0010916, OMIM 600666.

Submission:

Variantyx, Inc.
Classification: Likely pathogenic for Polycystic kidney disease 3 with or without polycystic liver disease. Last evaluated: 2025-11-14. Review status: criteria provided, single submitter. Criteria: Variantyx Assertion Criteria 2022. Collection method: clinical testing. Allele origin: germline. Inheritance: Autosomal dominant inheritance. Affected: yes.
Comment: This is a frameshift variant in the GANAB gene (OMIM: 104160). Pathogenic variants in this gene have been associated with autosomal dominant polycystic kidney disease 3. This variant introduces a premature termination codon in exon 12 out of 24 and is expected to result in loss of function, which is a known disease mechanism for GANAB in this disorder (PMID: 29243290, 27259053, 33097077) (PVS1). This variant is absent from control populations (PM2) and it has not been reported in individuals with GANAB-related disorders in the databases available for review. Based on the current evidence, this variant is classified as likely pathogenic for autosomal dominant polycystic kidney disease 3.

Literature cited by the submitters: PubMed 29243290; PubMed 27259053; PubMed 33097077.